The following is an entry in ClinVar:

NM_030962.4(SBF2):c.2872A>G (p.Met958Val)

Genes: SBF2 (SET binding factor 2; minus strand), LOC101928008 (uncharacterized LOC101928008; plus strand). Cytogenetic location: 11p15.4.
Variant type: single nucleotide variant.
Coding change: c.2872A>G on transcript NM_030962.4 (MANE Select); coding-DNA position 2872, A replaced by G.
Protein change: p.Met958Val; replaces methionine 958 with valine.
Molecular consequence: missense variant.
Genome position (GRCh38, 1-based): chr11:9,847,018, T>C on the plus strand (A>G on the coding strand, the complement: SBF2 is on the minus strand). VCF-style: chr11-9847018-T-C. GRCh37 (hg19) VCF-style: chr11-9868565-T-C.
Other names: c.2872A>G, p.Met958Val (NM_001386339.1); c.2743A>G, p.Met915Val (NM_001386342.1); short protein forms M958V, M915V.
Identifiers: ClinVar variation 476921 (VCV000476921.6), dbSNP rs901770002, ClinGen allele CA217618881.

ClinVar aggregate classification (germline): Uncertain significance (1 of 4 stars; one submission).

Conditions:
Charcot-Marie-Tooth disease type 4. Also called: Charcot-Marie-Tooth, Type 4; Charcot-Marie-Tooth disease, type IV. Identifiers: Orphanet 64749, MedGen C4082197, MONDO:0018995.

Allele frequency attached by ClinVar (database versions not stated): gnomAD exomes below 0.00001; gnomAD 0.00001; TOPMed 0.00001.
gnomAD v4.1: 16 of 1,613,738 alleles (0.00099%); highest among the groups gnomAD compares: Admixed American, 0.0033%; no homozygotes.

Submission:

Labcorp Genetics (formerly Invitae), Labcorp
Classification: Uncertain significance for Charcot-Marie-Tooth disease type 4. Last evaluated: 2022-03-14. Review status: criteria provided, single submitter. Criteria: Invitae Variant Classification Sherloc (09022015). Collection method: clinical testing. Allele origin: germline.
Comment: This sequence change replaces methionine, which is neutral and non-polar, with valine, which is neutral and non-polar, at codon 958 of the SBF2 protein (p.Met958Val). This variant is present in population databases (no rsID available, gnomAD 0.003%). This variant has not been reported in the literature in individuals affected with SBF2-related conditions. ClinVar contains an entry for this variant (Variation ID: 476921). Algorithms developed to predict the effect of missense changes on protein structure and function output the following: SIFT: "Tolerated"; PolyPhen-2: "Benign"; Align-GVGD: "Class C0". The valine amino acid residue is found in multiple mammalian species, which suggests that this missense change does not adversely affect protein function. In summary, the available evidence is currently insufficient to determine the role of this variant in disease. Therefore, it has been classified as a Variant of Uncertain Significance.